The following is an entry in ClinVar:

NM_003060.4(SLC22A5):c.825-52G>A

Gene: SLC22A5 (solute carrier family 22 member 5; plus strand). Cytogenetic location: 5q31.1.
Variant type: single nucleotide variant.
Coding change: c.825-52G>A on transcript NM_003060.4 (MANE Select); 52 bases into the intron before coding-DNA position 825, G replaced by A.
Molecular consequence: intron variant.
Genome position (GRCh38, 1-based): chr5:132,386,973, G>A. VCF-style: chr5-132386973-G-A. GRCh37 (hg19) VCF-style: chr5-131722665-G-A.
Other names: c.897-52G>A (NM_001308122.2).
Identifiers: ClinVar variation 842614 (VCV000842614.16), dbSNP rs1194929977, ClinGen allele CA803967804.

ClinVar aggregate classification (germline): Pathogenic. Review status: criteria provided, multiple submitters, no conflicts (2 of 4 stars). 3 submissions from 3 submitters: Pathogenic (2). 1 of the submissions does not count toward it. Last evaluated 2024-08-21.

Conditions:
Decreased circulating carnitine concentration. Also called: Decreased plasma carnitine. Identifiers: MedGen C5848230, HP:0003234.
Renal carnitine transport defect (CDSP). Also called: Carnitine transporter deficiency; Carnitine Deficiency, Systemic; Systemic primary carnitine deficiency disease; Primary carnitine deficiency; Systemic primary carnitine deficiency; CARNITINE DEFICIENCY, SYSTEMIC, DUE TO DEFECT IN RENAL REABSORPTION OF CARNITINE. Identifiers: Orphanet 158, MedGen C0342788, MONDO:0008919, OMIM 212140.

Allele frequency attached by ClinVar (database versions not stated): gnomAD exomes below 0.00001; TOPMed 0.00001.
gnomAD v4.1: 5 of 1,606,118 alleles (0.00031%); highest among the groups gnomAD compares: Non-Finnish European, 0.00043%; no homozygotes.

Submissions (3):

Labcorp Genetics (formerly Invitae), Labcorp
Classification: Pathogenic for Renal carnitine transport defect. Last evaluated: 2024-08-21. Review status: criteria provided, single submitter. Criteria: Invitae Variant Classification Sherloc (09022015). Collection method: clinical testing. Allele origin: germline.
Comment: This sequence change falls in intron 4 of the SLC22A5 gene. It does not directly change the encoded amino acid sequence of the SLC22A5 protein. This variant is not present in population databases (gnomAD no frequency). This variant has been observed in individual(s) with primary carnitine deficiency (PMID: 23963628). ClinVar contains an entry for this variant (Variation ID: 842614). Algorithms developed to predict the effect of sequence changes on RNA splicing suggest that this variant is not likely to affect RNA splicing. For these reasons, this variant has been classified as Pathogenic.

Baylor Genetics
Classification: Pathogenic for Renal carnitine transport defect. Last evaluated: 2024-03-03. Review status: criteria provided, single submitter. Criteria: ACMG Guidelines, 2015. Collection method: clinical testing. Allele origin: unknown.

Natera, Inc.
Classification: Pathogenic for Carnitine deficiency. Last evaluated: 2021-07-08. Review status: no assertion criteria provided. Collection method: clinical testing. Allele origin: germline. Not counted in ClinVar's aggregate classification.

Literature cited by the submitters: PubMed 23963628 (cited by Labcorp Genetics (formerly Invitae), Labcorp).